The following is an entry in ClinVar:

ClinVar aggregate classification (germline): Conflicting classifications of pathogenicity. Review status: criteria provided, conflicting classifications (1 of 4 stars). 4 submissions from 4 submitters: Uncertain significance (2); Likely benign (2). Last evaluated 2025-11-16.

Conditions:
Oligodontia-cancer predisposition syndrome. Also called: TOOTH AGENESIS-COLORECTAL CANCER SYNDROME. Identifiers: Orphanet 300576, MedGen C1837750, MONDO:0012075, OMIM 608615. Disease mechanism: loss of function.
Hereditary cancer-predisposing syndrome. Also called: Neoplastic Syndromes, Hereditary; Hereditary neoplastic syndrome; Tumor predisposition; Hereditary Cancer Syndrome. Identifiers: Orphanet 140162, MedGen C0027672, MeSH D009386, MONDO:0015356.

Allele frequency attached by ClinVar (database versions not stated): TOPMed below 0.00001; gnomAD 0.00001.
gnomAD v4.1: 3 of 1,613,608 alleles (0.00019%); highest among the groups gnomAD compares: Non-Finnish European, 0.00025%; 1 homozygote.

Submissions (4):

Dasa
Classification: Likely benign. Last evaluated: 2025-11-16. Review status: criteria provided, single submitter. Criteria: DASA Assertion Criteria. Collection method: clinical testing. Allele origin: germline.
Comment: NM_004655.4(AXIN2):c.1510G>C (p.Gly504Arg) is a missense variant that results in the substitution of glycine with arginine. Observations in unaffected individuals support a benign interpretation. Computational prediction algorithms are consistent with a benign effect. Therefore, based on the currently available evidence, this variant is classified as likely benign.

Ambry Genetics
Classification: Uncertain significance for Hereditary cancer-predisposing syndrome. Last evaluated: 2025-07-18. Review status: criteria provided, single submitter. Criteria: Ambry Variant Classification Scheme 2023. Collection method: clinical testing. Allele origin: germline.
Comment: The p.G504R variant (also known as c.1510G>C), located in coding exon 5 of the AXIN2 gene, results from a G to C substitution at nucleotide position 1510. The glycine at codon 504 is replaced by arginine, an amino acid with dissimilar properties. This amino acid position is well conserved in available vertebrate species. In addition, this alteration is predicted to be tolerated by in silico analysis. Based on the available evidence, the clinical significance of this variant remains unclear.

Labcorp Genetics (formerly Invitae), Labcorp
Classification: Uncertain significance for Oligodontia-cancer predisposition syndrome. Last evaluated: 2025-06-24. Review status: criteria provided, single submitter. Criteria: Invitae Variant Classification Sherloc (09022015). Collection method: clinical testing. Allele origin: germline.
Comment: This sequence change replaces glycine, which is neutral and non-polar, with arginine, which is basic and polar, at codon 504 of the AXIN2 protein (p.Gly504Arg). This variant is present in population databases (no rsID available, gnomAD 0.02%). This variant has not been reported in the literature in individuals affected with AXIN2-related conditions. ClinVar contains an entry for this variant (Variation ID: 855254). Invitae Evidence Modeling of protein sequence and biophysical properties (such as structural, functional, and spatial information, amino acid conservation, physicochemical variation, residue mobility, and thermodynamic stability) indicates that this missense variant is not expected to disrupt AXIN2 protein function with a negative predictive value of 80%. In summary, the available evidence is currently insufficient to determine the role of this variant in disease. Therefore, it has been classified as a Variant of Uncertain Significance.

Sema4
Classification: Likely benign for Hereditary cancer-predisposing syndrome. Last evaluated: 2022-01-31. Review status: criteria provided, single submitter. Criteria: Sema4 Curation Guidelines. Collection method: curation. Allele origin: germline.

NM_004655.4(AXIN2):c.1510G>C (p.Gly504Arg)

Gene: AXIN2 (axin 2; minus strand). Cytogenetic location: 17q24.1.
Variant type: single nucleotide variant.
Coding change: c.1510G>C on transcript NM_004655.4 (MANE Select); coding-DNA position 1510, G replaced by C.
Protein change: p.Gly504Arg; replaces glycine 504 with arginine.
Molecular consequence: missense variant.
Genome position (GRCh38, 1-based): chr17:65,537,526, C>G on the plus strand (G>C on the coding strand, the complement: AXIN2 is on the minus strand). VCF-style: chr17-65537526-C-G. GRCh37 (hg19) VCF-style: chr17-63533644-C-G.
Other names: c.1510G>C, p.Gly504Arg (NM_001363813.1); short protein forms G504R.
Identifiers: ClinVar variation 855254 (VCV000855254.15), dbSNP rs757512425, ClinGen allele CA293098256.